The following is an entry in ClinVar:

NM_000245.4(MET):c.2560A>G (p.Asn854Asp)

Gene: MET (MET proto-oncogene, receptor tyrosine kinase; plus strand). Cytogenetic location: 7q31.2.
Variant type: single nucleotide variant.
Coding change: c.2560A>G on transcript NM_000245.4 (MANE Select); coding-DNA position 2560, A replaced by G.
Protein change: p.Asn854Asp; replaces asparagine 854 with aspartic acid.
Molecular consequence: missense variant.
Genome position (GRCh38, 1-based): chr7:116,763,245, A>G. VCF-style: chr7-116763245-A-G. GRCh37 (hg19) VCF-style: chr7-116403299-A-G.
Other names: c.2614A>G, p.Asn872Asp (NM_001127500.3); c.2560A>G, p.Asn854Asp (NM_001324401.3); c.1270A>G, p.Asn424Asp (NM_001324402.2); short protein forms N854D, N424D, N872D.
Identifiers: ClinVar variation 3663255 (VCV003663255.2).

ClinVar aggregate classification (germline): Uncertain significance (1 of 4 stars; one submission).

Conditions:
Renal cell carcinoma. Identifiers: Orphanet 217071, MedGen C0007134, MeSH D002292, MONDO:0005086, HP:0005584.

gnomAD v4.1: 1 of 1,613,912 alleles (0.000062%); highest among the groups gnomAD compares: African/African-American, 0.0013%; no homozygotes.

Submission:

Labcorp Genetics (formerly Invitae), Labcorp
Classification: Uncertain significance for Renal cell carcinoma. Last evaluated: 2024-08-22. Review status: criteria provided, single submitter. Criteria: Invitae Variant Classification Sherloc (09022015). Collection method: clinical testing. Allele origin: germline.
Comment: This sequence change replaces asparagine, which is neutral and polar, with aspartic acid, which is acidic and polar, at codon 872 of the MET protein (p.Asn872Asp). This variant is not present in population databases (gnomAD no frequency). This variant has not been reported in the literature in individuals affected with MET-related conditions. Invitae Evidence Modeling of protein sequence and biophysical properties (such as structural, functional, and spatial information, amino acid conservation, physicochemical variation, residue mobility, and thermodynamic stability) indicates that this missense variant is not expected to disrupt MET protein function with a negative predictive value of 80%. In summary, the available evidence is currently insufficient to determine the role of this variant in disease. Therefore, it has been classified as a Variant of Uncertain Significance.